The following is an entry in ClinVar:

NM_019109.5(ALG1):c.1264-16C>T

Genes: ALG1 (ALG1 chitobiosyldiphosphodolichol beta-mannosyltransferase; plus strand), EEF2KMT (eukaryotic elongation factor 2 lysine methyltransferase; minus strand). Cytogenetic location: 16p13.3.
Variant type: single nucleotide variant.
Coding change: c.1264-16C>T on transcript NM_019109.5 (MANE Select); 16 bases into the intron before coding-DNA position 1264, C replaced by T.
Molecular consequence: intron variant. On other transcripts: 3 prime UTR variant (3).
Genome position (GRCh38, 1-based): chr16:5,084,734, C>T. VCF-style: chr16-5084734-C-T. GRCh37 (hg19) VCF-style: chr16-5134735-C-T.
Other names: c.*898G>A (NM_001289029.2, NM_201400.4, NM_201598.4); c.931-16C>T (NM_001330504.2).
Identifiers: ClinVar variation 508301 (VCV000508301.2), dbSNP rs756336644, ClinGen allele CA7890318.
Genomic context (GRCh38, chr16:5,084,734, plus strand): 5'-GGGGTCAGCCAGGTGGTGACCTGGGATGGGGTGGGGACAGGCAATGAGGTAAGCTCTGCT[C>T]TTTATTTTTTTGCAGATGCTTTTCTCAAACTTTCCTGATCCTGCGGGCAAGCTAAACCAG-3'

ClinVar aggregate classification (germline): Likely benign (1 of 4 stars; one submission).

Allele frequency attached by ClinVar (database versions not stated): gnomAD exomes below 0.00001; TOPMed below 0.00001; ExAC 0.00001.

Submission:

GeneDx
Classification: Likely benign. Last evaluated: 2017-04-04. Review status: criteria provided, single submitter. Criteria: GeneDx Variant Classification (06012015). Collection method: clinical testing. Allele origin: germline. Affected: yes.
Comment: This variant is considered likely benign or benign based on one or more of the following criteria: it is a conservative change, it occurs at a poorly conserved position in the protein, it is predicted to be benign by multiple in silico algorithms, and/or has population frequency not consistent with disease.